The following is an entry in ClinVar:

NM_000059.4(BRCA2):c.1206del (p.Gly402_Leu403insTer)

Gene: BRCA2 (BRCA2 DNA repair associated; plus strand). Cytogenetic location: 13q13.1.
Variant type: Deletion.
Coding change: c.1206del on transcript NM_000059.4 (MANE Select); coding-DNA position 1206, one base deleted (T; older notation c.1206delT).
Protein change: p.Gly402_Leu403insTer.
Molecular consequence: frameshift variant.
Genome position (GRCh38, 1-based): chr13:32,332,684, T deleted. VCF-style (leftmost placement, unchanged base first): chr13-32332683-GT-G. GRCh37 (hg19) VCF-style: chr13-32906820-GT-G.
Other names: c.1206delT (NM_000059.3).
Identifiers: ClinVar variation 1074238 (VCV001074238.8), dbSNP rs2137468776, ClinGen allele CA2499222075.

ClinVar aggregate classification (germline): Pathogenic. Review status: criteria provided, multiple submitters, no conflicts (2 of 4 stars). 2 submissions from 2 submitters: Pathogenic (2). Last evaluated 2024-10-15.

Conditions:
Hereditary cancer-predisposing syndrome. Also called: Tumor predisposition; Hereditary neoplastic syndrome; Neoplastic Syndromes, Hereditary; Hereditary Cancer Syndrome. Identifiers: Orphanet 140162, MedGen C0027672, MeSH D009386, MONDO:0015356.
Hereditary breast ovarian cancer syndrome. Also called: Hereditary breast and ovarian cancer syndrome (HBOC); Hereditary breast and/or ovarian cancer syndrome; Hereditary breast and ovarian cancer; BRCA1- and BRCA2-Associated Hereditary Breast and Ovarian Cancer; Hereditary breast and ovarian cancer syndrome; Breast and ovarian cancer. Identifiers: Orphanet 145, MedGen C0677776, MeSH D061325, MONDO:0003582. Disease mechanism: loss of function.

Submissions (2):

Labcorp Genetics (formerly Invitae), Labcorp
Classification: Pathogenic for Hereditary breast ovarian cancer syndrome. Last evaluated: 2024-10-15. Review status: criteria provided, single submitter. Criteria: Invitae Variant Classification Sherloc (09022015). Collection method: clinical testing. Allele origin: germline.
Comment: This sequence change creates a premature translational stop signal (p.Leu403*) in the BRCA2 gene. It is expected to result in an absent or disrupted protein product. Loss-of-function variants in BRCA2 are known to be pathogenic (PMID: 20104584). This variant is not present in population databases (gnomAD no frequency). This variant has not been reported in the literature in individuals affected with BRCA2-related conditions. ClinVar contains an entry for this variant (Variation ID: 1074238). For these reasons, this variant has been classified as Pathogenic.

Ambry Genetics
Classification: Pathogenic for Hereditary cancer-predisposing syndrome. Last evaluated: 2023-10-13. Review status: criteria provided, single submitter. Criteria: Ambry Variant Classification Scheme 2023. Collection method: clinical testing. Allele origin: germline.
Comment: The c.1206delT pathogenic mutation, located in coding exon 9 of the BRCA2 gene, results from a deletion of one nucleotide at nucleotide position 1206, causing a translational frameshift with a predicted alternate stop codon (p.L403*). This variant is considered to be rare based on population cohorts in the Genome Aggregation Database (gnomAD). This alteration is expected to result in loss of function by premature protein truncation or nonsense-mediated mRNA decay. As such, this alteration is interpreted as a disease-causing mutation.

Literature cited by the submitters: PubMed 20104584 (cited by Labcorp Genetics (formerly Invitae), Labcorp).